The following is an entry in ClinVar:

ClinVar aggregate classification (germline): Benign/Likely benign. Review status: criteria provided, multiple submitters, no conflicts (2 of 4 stars). 4 submissions from 4 submitters: Benign (1); Likely benign (3). Last evaluated 2024-04-09.

Conditions:
Hereditary cancer-predisposing syndrome. Also called: Neoplastic Syndromes, Hereditary; Tumor predisposition; Hereditary Cancer Syndrome; Hereditary neoplastic syndrome. Identifiers: Orphanet 140162, MedGen C0027672, MeSH D009386, MONDO:0015356.
Familial adenomatous polyposis 1 (FAP1). Also called: FAMILIAL ADENOMATOUS POLYPOSIS 1, ATTENUATED; POLYPOSIS, ADENOMATOUS INTESTINAL. Identifiers: MedGen C2713442, MONDO:0021056, OMIM 175100. Disease mechanism: loss of function.

Allele frequency attached by ClinVar (database versions not stated): gnomAD exomes below 0.00001.
gnomAD v4.1: 1 of 1,614,076 alleles (0.000062%); highest among the groups gnomAD compares: Non-Finnish European, 0.000085%; no homozygotes.

Submissions (4):

Myriad Genetics, Inc.
Classification: Benign for Familial adenomatous polyposis 1. Last evaluated: 2024-04-09. Review status: criteria provided, single submitter. Criteria: Myriad Autosomal Dominant, Autosomal Recessive and X-Linked Classification Criteria (2023). Collection method: clinical testing. Allele origin: unknown.
Comment: This variant is considered benign. This variant is a silent/synonymous amino acid change and it is not expected to impact splicing.

Labcorp Genetics (formerly Invitae), Labcorp
Classification: Likely benign for Familial adenomatous polyposis 1. Last evaluated: 2023-11-27. Review status: criteria provided, single submitter. Criteria: Invitae Variant Classification Sherloc (09022015). Collection method: clinical testing. Allele origin: germline.

Ambry Genetics
Classification: Likely benign for Hereditary cancer-predisposing syndrome. Last evaluated: 2017-07-10. Review status: criteria provided, single submitter. Criteria: Ambry Variant Classification Scheme 2023. Collection method: clinical testing. Allele origin: germline.

Color Diagnostics, LLC DBA Color Health
Classification: Likely benign for Hereditary cancer-predisposing syndrome. Last evaluated: 2017-03-08. Review status: criteria provided, single submitter. Criteria: ACMG Guidelines, 2015. Collection method: clinical testing. Allele origin: germline.

NM_000038.6(APC):c.7335A>G (p.Lys2445=)

Gene: APC (APC regulator of Wnt signaling pathway; plus strand). Cytogenetic location: 5q22.2.
Variant type: single nucleotide variant.
Coding change: c.7335A>G on transcript NM_000038.6 (MANE Select); coding-DNA position 7335, A replaced by G.
Protein change: p.Lys2445=; no amino-acid change (lysine 2445 retained).
Molecular consequence: synonymous variant.
Genome position (GRCh38, 1-based): chr5:112,842,929, A>G. VCF-style: chr5-112842929-A-G. GRCh37 (hg19) VCF-style: chr5-112178626-A-G.
Other names: c.6957A>G, p.Lys2319= (NM_001354904.2); c.6855A>G, p.Lys2285= (NM_001354905.2); c.6486A>G, p.Lys2162= (NM_001354906.2); c.7335A>G, p.Lys2445= (NM_001127510.3, NM_001354895.2); c.7281A>G, p.Lys2427= (NM_001127511.3); c.7389A>G, p.Lys2463= (NM_001354896.2); c.7365A>G, p.Lys2455= (NM_001354897.2); c.7260A>G, p.Lys2420= (NM_001354898.2); and 5 more.
Identifiers: ClinVar variation 482498 (VCV000482498.19), dbSNP rs1554088258, ClinGen allele CA446210426.